The following is an entry in ClinVar:

ClinVar aggregate classification (germline): Uncertain significance (1 of 4 stars; one submission).

Allele frequency attached by ClinVar (database versions not stated): gnomAD exomes 0.00005 and 0.00009; TOPMed 0.00005; ExAC 0.00006; gnomAD 0.00007.
gnomAD v4.1: 137 of 1,550,282 alleles (0.0088%); highest among the groups gnomAD compares: Non-Finnish European, 0.011%; no homozygotes.

Submission:

Labcorp Genetics (formerly Invitae), Labcorp
Classification: Uncertain significance. Last evaluated: 2025-07-28. Review status: criteria provided, single submitter. Criteria: Invitae Variant Classification Sherloc (09022015). Collection method: clinical testing. Allele origin: germline.
Comment: This sequence change replaces aspartic acid, which is acidic and polar, with glycine, which is neutral and non-polar, at codon 1244 of the ERBIN protein (p.Asp1244Gly). This variant is present in population databases (rs749820932, gnomAD 0.01%). This variant has not been reported in the literature in individuals affected with ERBIN-related conditions. ClinVar contains an entry for this variant (Variation ID: 1493340). An algorithm developed to predict the effect of missense changes on protein structure and function (PolyPhen-2) suggests that this variant is likely to be tolerated. In summary, the available evidence is currently insufficient to determine the role of this variant in disease. Therefore, it has been classified as a Variant of Uncertain Significance.

NM_001253697.2(ERBIN):c.3731A>G (p.Asp1244Gly)

Gene: ERBIN (erbb2 interacting protein; plus strand). Cytogenetic location: 5q12.3.
Variant type: single nucleotide variant.
Coding change: c.3731A>G on transcript NM_001253697.2 (MANE Select); coding-DNA position 3731, A replaced by G.
Protein change: p.Asp1244Gly; replaces aspartic acid 1244 with glycine.
Molecular consequence: missense variant. On other transcripts: intron variant (5).
Genome position (GRCh38, 1-based): chr5:66,072,266, A>G. VCF-style: chr5-66072266-A-G. GRCh37 (hg19) VCF-style: chr5-65368094-A-G.
Other names: c.3778-2758A>G (NM_001253699.2); c.3634-2758A>G (NM_018695.4, NM_001253698.2); c.3634-4050A>G (NM_001006600.3); c.3622-2758A>G (NM_001253701.2); short protein forms D1244G.
Identifiers: ClinVar variation 1493340 (VCV001493340.8), dbSNP rs749820932, ClinGen allele CA3286713.